The following is an entry in ClinVar:

NM_000704.3(ATP4A):c.779G>T (p.Cys260Phe)

Gene: ATP4A (ATPase H+/K+ transporting subunit alpha; minus strand). Cytogenetic location: 19q13.12.
Variant type: single nucleotide variant.
Coding change: c.779G>T on transcript NM_000704.3 (MANE Select); coding-DNA position 779, G replaced by T.
Protein change: p.Cys260Phe; replaces cysteine 260 with phenylalanine.
Molecular consequence: missense variant.
Genome position (GRCh38, 1-based): chr19:35,560,371, C>A on the plus strand (G>T on the coding strand, the complement: ATP4A is on the minus strand). VCF-style: chr19-35560371-C-A. GRCh37 (hg19) VCF-style: chr19-36051273-C-A.
Other names: short protein forms C260F.
Identifiers: ClinVar variation 5003050 (VCV005003050.1).

ClinVar aggregate classification (germline): Uncertain significance (1 of 4 stars; one submission).

Submission:

OLLIN Analises Genomicas, OLLIN
Classification: Uncertain significance. Last evaluated: 2026-08-06. Review status: criteria provided, single submitter. Criteria: ACMG Guidelines 2015 PMID 25741868. Collection method: clinical testing. Allele origin: germline.
Comment: This missense variant, located in exon 6 (of 22), is absent from gnomAD and ClinVar and has not been identified in the literature. In silico analysis predicts that this variant has a deleterious effect. According to the currently available evidence, this variant has been classified as uncertain significance (PM2_P, PP3_M).